The following is an entry in ClinVar:

ClinVar aggregate classification (germline): Uncertain significance (1 of 4 stars; one submission).

Allele frequency attached by ClinVar (database versions not stated): ESP Exome Variant Server 0.00008; TOPMed 0.00009.
gnomAD v4.1: 75 of 1,602,834 alleles (0.0047%); highest among the groups gnomAD compares: Non-Finnish European, 0.0059%; no homozygotes.

Submission:

Labcorp Genetics (formerly Invitae), Labcorp
Classification: Uncertain significance. Last evaluated: 2023-12-19. Review status: criteria provided, single submitter. Criteria: Invitae Variant Classification Sherloc (09022015). Collection method: clinical testing. Allele origin: germline.
Comment: This sequence change replaces glutamic acid, which is acidic and polar, with glutamine, which is neutral and polar, at codon 1520 of the ANK1 protein (p.Glu1520Gln). This variant is present in population databases (rs370459551, gnomAD 0.007%). This missense change has been observed in individual(s) with clinical features of ANK1-related conditions (PMID: 32641076). An algorithm developed to predict the effect of missense changes on protein structure and function (PolyPhen-2) suggests that this variant is likely to be disruptive. In summary, the available evidence is currently insufficient to determine the role of this variant in disease. Therefore, it has been classified as a Variant of Uncertain Significance.

Literature cited by the submitters: PubMed 32641076.

NM_000037.4(ANK1):c.4558G>C (p.Glu1520Gln)

Gene: ANK1 (ankyrin 1; minus strand). Cytogenetic location: 8p11.21.
Variant type: single nucleotide variant.
Coding change: c.4558G>C on transcript NM_000037.4 (MANE Select); coding-DNA position 4558, G replaced by C.
Protein change: p.Glu1520Gln; replaces glutamic acid 1520 with glutamine.
Molecular consequence: missense variant. On other transcripts: intron variant (1).
Genome position (GRCh38, 1-based): chr8:41,672,892, C>G on the plus strand (G>C on the coding strand, the complement: ANK1 is on the minus strand). VCF-style: chr8-41672892-C-G. GRCh37 (hg19) VCF-style: chr8-41530410-C-G.
Other names: c.4681G>C, p.Glu1561Gln (NM_001142446.2); c.4558G>C, p.Glu1520Gln (NM_020475.3, NM_020476.3); c.4538-466G>C (NM_020477.3); short protein forms E1520Q, E1561Q.
Identifiers: ClinVar variation 2719875 (VCV002719875.3), dbSNP rs370459551, ClinGen allele CA4727486.
Genomic context (GRCh38, chr8:41,672,892, plus strand): 5'-ACTGGTCTGCACGTAGCGGAGAGGAAAGTGCACAGCCCAGGGAGGCAGGGGACAGCAGCT[C>G]GTCCTGCAGTGAGGAGTAACCTGGATGGGCAGACAGAGGGCAACATGCTCCAGCAGTGAT-3'
Protein context (NP_000028.3, residues 1510-1530): QMNGYSSLQD[Glu1520Gln]LLSPASLGCA